The following is an entry in ClinVar:

ClinVar aggregate classification (germline): Uncertain significance (1 of 4 stars; one submission).

Allele frequency attached by ClinVar (database versions not stated): gnomAD 0.00001; TOPMed 0.00001.

Submission:

Labcorp Genetics (formerly Invitae), Labcorp
Classification: Uncertain significance. Last evaluated: 2024-10-23. Review status: criteria provided, single submitter. Criteria: Invitae Variant Classification Sherloc (09022015). Collection method: clinical testing. Allele origin: germline.
Comment: This sequence change affects a donor splice site in intron 1 of the TOPORS gene. It is expected to disrupt RNA splicing. Variants that disrupt the donor or acceptor splice site typically lead to a loss of protein function (PMID: 16199547), however the current clinical and genetic evidence is not sufficient to establish whether loss-of-function variants in TOPORS cause disease. This variant is present in population databases (no rsID available, gnomAD 0.007%). This variant has not been reported in the literature in individuals affected with TOPORS-related conditions. ClinVar contains an entry for this variant (Variation ID: 1020362). Algorithms developed to predict the effect of sequence changes on RNA splicing suggest that this variant may disrupt the consensus splice site. In summary, the available evidence is currently insufficient to determine the role of this variant in disease. Therefore, it has been classified as a Variant of Uncertain Significance.

Literature cited by the submitters: PubMed 16199547.

NM_005802.5(TOPORS):c.3+1G>A

Genes: TOPORS (TOP1 binding arginine/serine rich protein, E3 ubiquitin ligase; minus strand), TZMP1 (transition zone microprotein 1; plus strand). Cytogenetic location: 9p21.1.
Variant type: single nucleotide variant.
Coding change: c.3+1G>A on transcript NM_005802.5 (MANE Select); the canonical splice donor site of the intron after coding-DNA position 3, G replaced by A.
Molecular consequence: splice donor variant. On other transcripts: 5 prime UTR variant (3), non-coding transcript variant (2).
Genome position (GRCh38, 1-based): chr9:32,552,433, C>T on the plus strand (G>A on the coding strand, the complement: TOPORS is on the minus strand). VCF-style: chr9-32552433-C-T. GRCh37 (hg19) VCF-style: chr9-32552431-C-T.
Other names: c.-2C>T (NM_001349118.1, NM_001349119.2, NM_001387564.1); c.3+1G>A (NM_001195622.2).
Identifiers: ClinVar variation 1020362 (VCV001020362.7), dbSNP rs1443568022, ClinGen allele CA373174188.
Genomic context (GRCh38, chr9:32,552,433, plus strand): 5'-GGAGGTTACTGTAAGGCCCGCAGCTCCCGCCAGCTCCCGCGGACTGCTGCCGCCTCCTTA[C>T]CATGAAGCCAGTAAGTCGTCGCACGCTGGACTGGATTTATTCAGTGGTAAGTCCCGGGGA-3'